The following is an entry in ClinVar:

NM_006073.4(TRDN):c.659A>G (p.Lys220Arg)

Gene: TRDN (triadin; minus strand). Cytogenetic location: 6q22.31.
Variant type: single nucleotide variant.
Coding change: c.659A>G on transcript NM_006073.4 (MANE Select); coding-DNA position 659, A replaced by G.
Protein change: p.Lys220Arg; replaces lysine 220 with arginine.
Molecular consequence: missense variant.
Genome position (GRCh38, 1-based): chr6:123,503,853, T>C on the plus strand (A>G on the coding strand, the complement: TRDN is on the minus strand). VCF-style: chr6-123503853-T-C. GRCh37 (hg19) VCF-style: chr6-123824998-T-C.
Other names: c.659A>G, p.Lys220Arg (NM_001251987.2, NM_001256020.2, NM_001256021.2 and 1 more transcripts); c.659A>G (NM_006073.3); short protein forms K220R.
Identifiers: ClinVar variation 2071682 (VCV002071682.4), dbSNP rs768013728, ClinGen allele CA3984316.

ClinVar aggregate classification (germline): Uncertain significance. Review status: criteria provided, multiple submitters, no conflicts (2 of 4 stars). 3 submissions from 3 submitters: Uncertain significance (3). Last evaluated 2026-04-30.

Conditions:
Cardiovascular phenotype. Identifiers: MedGen CN230736.
Catecholaminergic polymorphic ventricular tachycardia 1. Also called: VENTRICULAR TACHYCARDIA, CATECHOLAMINERGIC POLYMORPHIC, 1, WITH OR WITHOUT ATRIAL DYSFUNCTION AND/OR DILATED CARDIOMYOPATHY; RYR2-Related Catecholaminergic Polymorphic Ventricular Tachycardia; VENTRICULAR TACHYCARDIA, STRESS-INDUCED POLYMORPHIC 1. Identifiers: Orphanet 3286, MedGen C1631597, MONDO:0011484, OMIM 604772.

Allele frequency attached by ClinVar (database versions not stated): TOPMed below 0.00001; ExAC 0.00002.
gnomAD v4.1: 5 of 1,590,744 alleles (0.00031%); highest among the groups gnomAD compares: Admixed American, 0.0072%; no homozygotes.

Submissions (3):

Ambry Genetics
Classification: Uncertain significance for Cardiovascular phenotype. Last evaluated: 2026-04-30. Review status: criteria provided, single submitter. Criteria: Ambry Variant Classification Scheme 2023. Collection method: clinical testing. Allele origin: germline.
Comment: The p.K220R variant (also known as c.659A>G), located in coding exon 8 of the TRDN gene, results from an A to G substitution at nucleotide position 659. The lysine at codon 220 is replaced by arginine, an amino acid with highly similar properties. This amino acid position is conserved. In addition, this alteration is predicted to be tolerated by in silico analysis. Based on the available evidence, the clinical significance of this variant remains unclear.

GeneDx
Classification: Uncertain significance. Last evaluated: 2024-05-12. Review status: criteria provided, single submitter. Criteria: GeneDx Variant Classification Process June 2021. Collection method: clinical testing. Allele origin: germline. Affected: yes.
Comment: In silico analysis indicates that this missense variant does not alter protein structure/function; Has not been previously published as pathogenic or benign to our knowledge

Labcorp Genetics (formerly Invitae), Labcorp
Classification: Uncertain significance for Catecholaminergic polymorphic ventricular tachycardia 1. Last evaluated: 2022-05-10. Review status: criteria provided, single submitter. Criteria: Invitae Variant Classification Sherloc (09022015). Collection method: clinical testing. Allele origin: germline.
Comment: This sequence change replaces lysine, which is basic and polar, with arginine, which is basic and polar, at codon 220 of the TRDN protein (p.Lys220Arg). The frequency data for this variant in the population databases is considered unreliable, as metrics indicate poor data quality at this position in the gnomAD database. This variant has not been reported in the literature in individuals affected with TRDN-related conditions. Algorithms developed to predict the effect of missense changes on protein structure and function are either unavailable or do not agree on the potential impact of this missense change (SIFT: "Tolerated"; PolyPhen-2: "Not Available"; Align-GVGD: "Class C0"). In summary, the available evidence is currently insufficient to determine the role of this variant in disease. Therefore, it has been classified as a Variant of Uncertain Significance.